The following is an entry in ClinVar:

NM_013251.4(TAC3):c.295T>C (p.Ser99Pro)

Gene: TAC3 (tachykinin precursor 3; minus strand). Cytogenetic location: 12q13.3.
Variant type: single nucleotide variant.
Coding change: c.295T>C on transcript NM_013251.4 (MANE Select); coding-DNA position 295, T replaced by C.
Protein change: p.Ser99Pro; replaces serine 99 with proline.
Molecular consequence: missense variant. On other transcripts: non-coding transcript variant (4).
Genome position (GRCh38, 1-based): chr12:57,012,450, A>G on the plus strand (T>C on the coding strand, the complement: TAC3 is on the minus strand). VCF-style: chr12-57012450-A-G. GRCh37 (hg19) VCF-style: chr12-57406234-A-G.
Other names: p.S99P:TCT>CCT; c.241T>C, p.Ser81Pro (NM_001178054.2); short protein forms S99P, S81P.
Identifiers: ClinVar variation 139385 (VCV000139385.12), dbSNP rs73334764, ClinGen allele CA293850.

ClinVar aggregate classification (germline): Benign. Review status: criteria provided, multiple submitters, no conflicts (2 of 4 stars). 3 submissions from 3 submitters: Benign (3). Last evaluated 2026-01-12.

Allele frequency attached by ClinVar (database versions not stated): gnomAD exomes 0.00239 and 0.00618; ExAC 0.00748; gnomAD 0.02465 and 0.02659; 1000 Genomes Project 0.02496; ESP Exome Variant Server 0.02683; TOPMed 0.02789; 1000 Genomes Project 30x 0.02795.
gnomAD v4.1: 7,444 of 1,613,774 alleles (0.46%); highest among the groups gnomAD compares: African/African-American, 8.6%; 316 homozygotes.

Submissions (3):

Labcorp Genetics (formerly Invitae), Labcorp
Classification: Benign. Last evaluated: 2026-01-12. Review status: criteria provided, single submitter. Criteria: Invitae Variant Classification Sherloc (09022015). Collection method: clinical testing. Allele origin: germline.

GeneDx
Classification: Benign. Last evaluated: 2014-05-19. Review status: criteria provided, single submitter. Criteria: GeneDx Variant Classification (06012015). Collection method: clinical testing. Allele origin: germline. Affected: yes.
Comment: This variant is considered likely benign or benign based on one or more of the following criteria: it is a conservative change, it occurs at a poorly conserved position in the protein, it is predicted to be benign by multiple in silico algorithms, and/or has population frequency not consistent with disease.

Breakthrough Genomics
Classification: Benign. Review status: criteria provided, single submitter. Criteria: ACMG Guidelines, 2015. Collection method: not provided. Allele origin: germline. Inheritance: Autosomal recessive inheritance. Affected: yes.